The following is an entry in ClinVar:

NM_015425.6(POLR1A):c.5125G>A (p.Gly1709Arg)

Gene: POLR1A (RNA polymerase I subunit A; minus strand). Cytogenetic location: 2p11.2.
Variant type: single nucleotide variant.
Coding change: c.5125G>A on transcript NM_015425.6 (MANE Select); coding-DNA position 5125, G replaced by A.
Protein change: p.Gly1709Arg; replaces glycine 1709 with arginine.
Molecular consequence: missense variant.
Genome position (GRCh38, 1-based): chr2:86,027,461, C>T on the plus strand (G>A on the coding strand, the complement: POLR1A is on the minus strand). VCF-style: chr2-86027461-C-T. GRCh37 (hg19) VCF-style: chr2-86254584-C-T.
Other names: short protein forms G1709R.
Identifiers: ClinVar variation 2794351 (VCV002794351.3), dbSNP rs762408379, ClinGen allele CA1745261.

ClinVar aggregate classification (germline): Uncertain significance (1 of 4 stars; one submission).

Allele frequency attached by ClinVar (database versions not stated): ExAC 0.00001; gnomAD 0.00001; gnomAD exomes 0.00001; TOPMed 0.00001.
gnomAD v4.1: 4 of 1,614,050 alleles (0.00025%); highest among the groups gnomAD compares: African/African-American, 0.0027%; no homozygotes.

Submission:

Labcorp Genetics (formerly Invitae), Labcorp
Classification: Uncertain significance. Last evaluated: 2023-09-21. Review status: criteria provided, single submitter. Criteria: Invitae Variant Classification Sherloc (09022015). Collection method: clinical testing. Allele origin: germline.
Comment: This sequence change replaces glycine, which is neutral and non-polar, with arginine, which is basic and polar, at codon 1709 of the POLR1A protein (p.Gly1709Arg). This variant is present in population databases (rs762408379, gnomAD 0.01%). This variant has not been reported in the literature in individuals affected with POLR1A-related conditions. Advanced modeling of protein sequence and biophysical properties (such as structural, functional, and spatial information, amino acid conservation, physicochemical variation, residue mobility, and thermodynamic stability) performed at Invitae indicates that this missense variant is expected to disrupt POLR1A protein function. In summary, the available evidence is currently insufficient to determine the role of this variant in disease. Therefore, it has been classified as a Variant of Uncertain Significance.